The following is an entry in ClinVar:

NM_001378615.1(CC2D2A):c.2437G>A (p.Gly813Arg)

Genes: CC2D2A (coiled-coil and C2 domain containing 2A; plus strand), FBXL5 (F-box and leucine rich repeat protein 5; minus strand). Cytogenetic location: 4p15.32.
Variant type: single nucleotide variant.
Coding change: c.2437G>A on transcript NM_001378615.1 (MANE Select); coding-DNA position 2437, G replaced by A.
Protein change: p.Gly813Arg; replaces glycine 813 with arginine.
Molecular consequence: missense variant.
Genome position (GRCh38, 1-based): chr4:15,553,256, G>A. VCF-style: chr4-15553256-G-A. GRCh37 (hg19) VCF-style: chr4-15554879-G-A.
Other names: c.2437G>A, p.Gly813Arg (NM_001080522.2); c.2290G>A, p.Gly764Arg (NM_001378617.1); short protein forms G813R, G764R.
Identifiers: ClinVar variation 660284 (VCV000660284.13), dbSNP rs375167917, ClinGen allele CA2863920.

ClinVar aggregate classification (germline): Uncertain significance. Review status: criteria provided, multiple submitters, no conflicts (2 of 4 stars). 6 submissions from 5 submitters: Uncertain significance (5). 1 of the submissions does not count toward it. Last evaluated 2024-05-23.

Conditions:
Joubert syndrome. Also called: JOUBERT-BOLTSHAUSER SYNDROME; Familial aplasia of the vermis. Identifiers: Orphanet 475, MedGen C5979921, MONDO:0018772.
Meckel-Gruber syndrome. Also called: Dysencephalia splachnocystica; DYSENCEPHALIA SPLANCHNOCYSTICA; GRUBER SYNDROME. Identifiers: Orphanet 564, MedGen C0265215, MONDO:0018921.
Joubert syndrome 9 (JBTS9). Identifiers: Orphanet 2318, MedGen C2676788, MONDO:0012849, OMIM 612285.
Meckel syndrome, type 6. Identifiers: Orphanet 564, MedGen C2676790, MONDO:0012848, OMIM 612284.
Retinitis pigmentosa 93. Identifiers: MedGen C5676970, MONDO:0030797, OMIM 619845.
COACH syndrome 2. Identifiers: MedGen C5436837, MONDO:0030859, OMIM 619111.
Retinal dystrophy. Also called: Inherited retinal dystrophy. Identifiers: Orphanet 71862, MedGen C0854723, MeSH D058499, MONDO:0019118, HP:0000556.

Allele frequency attached by ClinVar (database versions not stated): gnomAD exomes 0.00003 and 0.00006; ExAC 0.00007; ESP Exome Variant Server 0.00008; gnomAD 0.00009; TOPMed 0.00010; 1000 Genomes Project 0.00020; 1000 Genomes Project 30x 0.00031.
gnomAD v4.1: 51 of 1,613,266 alleles (0.0032%); highest among the groups gnomAD compares: African/African-American, 0.027%; no homozygotes.

Submissions (6):

Blueprint Genetics
Classification: Uncertain significance. Last evaluated: 2024-05-23. Review status: criteria provided, single submitter. Criteria: ACMG Guidelines, 2015. Collection method: clinical testing. Allele origin: germline.

Fulgent Genetics
Classification: Uncertain significance for Meckel syndrome, type 6; Joubert syndrome 9; COACH syndrome 2; Retinitis pigmentosa 93. Last evaluated: 2024-01-22. Review status: criteria provided, single submitter. Criteria: ACMG Guidelines, 2015. Collection method: clinical testing. Allele origin: germline.

Labcorp Genetics (formerly Invitae), Labcorp
Classification: Uncertain significance for Joubert syndrome; Meckel-Gruber syndrome. Last evaluated: 2022-09-06. Review status: criteria provided, single submitter. Criteria: Invitae Variant Classification Sherloc (09022015). Collection method: clinical testing. Allele origin: germline.
Comment: This sequence change replaces glycine, which is neutral and non-polar, with arginine, which is basic and polar, at codon 813 of the CC2D2A protein (p.Gly813Arg). This variant is present in population databases (rs375167917, gnomAD 0.04%). This variant has not been reported in the literature in individuals affected with CC2D2A-related conditions. ClinVar contains an entry for this variant (Variation ID: 660284). Advanced modeling of protein sequence and biophysical properties (such as structural, functional, and spatial information, amino acid conservation, physicochemical variation, residue mobility, and thermodynamic stability) performed at Invitae indicates that this missense variant is expected to disrupt CC2D2A protein function. In summary, the available evidence is currently insufficient to determine the role of this variant in disease. Therefore, it has been classified as a Variant of Uncertain Significance.

Illumina Laboratory Services, Illumina
Classification: Uncertain significance for Joubert syndrome 9. Last evaluated: 2018-01-13. Review status: criteria provided, single submitter. Criteria: ICSL Variant Classification Criteria 13 December 2019. Collection method: clinical testing. Allele origin: germline.

Illumina Laboratory Services, Illumina
Classification: Uncertain significance for Meckel syndrome, type 6. Last evaluated: 2018-01-13. Review status: criteria provided, single submitter. Criteria: ICSL Variant Classification Criteria 13 December 2019. Collection method: clinical testing. Allele origin: germline.

Institute of Human Genetics, Univ. Regensburg, Univ. Regensburg
Classification: Uncertain significance for Retinal dystrophy. Last evaluated: 2023-01-01. Review status: no assertion criteria provided. Criteria: ACMG Guidelines, 2015. Collection method: clinical testing. Allele origin: germline. Affected: yes. Not counted in ClinVar's aggregate classification.